The following is an entry in ClinVar:

ClinVar aggregate classification (germline): Uncertain significance (1 of 4 stars; one submission).

gnomAD v4.1: 1 of 1,614,000 alleles (0.000062%); highest among the groups gnomAD compares: Non-Finnish European, 0.000085%; no homozygotes.

Submission:

CeGaT Center for Human Genetics Tuebingen
Classification: Uncertain significance. Last evaluated: 2026-09-01. Review status: criteria provided, single submitter. Criteria: CeGaT Center For Human Genetics Tuebingen Variant Classification Criteria Version 2. Collection method: clinical testing. Allele origin: germline. Affected: yes. Observed: 1 variant allele.
Comment: COL9A1: PM2

NM_001851.6(COL9A1):c.1654C>T (p.Pro552Ser)

Gene: COL9A1 (collagen type IX alpha 1 chain; minus strand). Cytogenetic location: 6q13.
Variant type: single nucleotide variant.
Coding change: c.1654C>T on transcript NM_001851.6 (MANE Select); coding-DNA position 1654, C replaced by T.
Protein change: p.Pro552Ser; replaces proline 552 with serine.
Molecular consequence: missense variant. On other transcripts: non-coding transcript variant (1).
Genome position (GRCh38, 1-based): chr6:70,254,974, G>A on the plus strand (C>T on the coding strand, the complement: COL9A1 is on the minus strand). VCF-style: chr6-70254974-G-A. GRCh37 (hg19) VCF-style: chr6-70964677-G-A.
Other names: c.925C>T, p.Pro309Ser (NM_001377289.1, NM_001377290.1, NM_078485.4); short protein forms P309S, P552S.
Identifiers: ClinVar variation 5041739 (VCV005041739.1).